The following is an entry in ClinVar:

NM_001288705.3(CSF1R):c.2056dup (p.Ser686fs)

Gene: CSF1R (colony stimulating factor 1 receptor; minus strand). Cytogenetic location: 5q32.
Variant type: Duplication.
Coding change: c.2056dup on transcript NM_001288705.3 (MANE Select); coding-DNA position 2056, one base duplicated (A; older notation c.2056dupA).
Protein change: p.Ser686fs; shifts the reading frame from serine 686.
Molecular consequence: frameshift variant.
Genome position (GRCh38, 1-based): chr5:150,059,776, T duplicated on the plus strand (A on the coding strand, the reverse complement: CSF1R is on the minus strand). VCF-style (leftmost placement, unchanged base first): chr5-150059775-C-CT. GRCh37 (hg19) VCF-style: chr5-149439338-C-CT.
Other names: c.2056dup, p.Ser686fs (NM_001349736.2, NM_001375320.1, NM_005211.4); c.1612dup, p.Ser538fs (NM_001375321.1); short protein forms S686fs, S538fs.
Identifiers: ClinVar variation 2763158 (VCV002763158.3), dbSNP rs1757419927, ClinGen allele CA1590774144.

ClinVar aggregate classification (germline): Pathogenic (1 of 4 stars; one submission).

Submission:

Labcorp Genetics (formerly Invitae), Labcorp
Classification: Pathogenic. Last evaluated: 2023-08-01. Review status: criteria provided, single submitter. Criteria: Invitae Variant Classification Sherloc (09022015). Collection method: clinical testing. Allele origin: germline.
Comment: For these reasons, this variant has been classified as Pathogenic. This variant has not been reported in the literature in individuals affected with CSF1R-related conditions. This variant is not present in population databases (gnomAD no frequency). This sequence change creates a premature translational stop signal (p.Ser686Lysfs*15) in the CSF1R gene. It is expected to result in an absent or disrupted protein product. Loss-of-function variants in CSF1R are known to be pathogenic (PMID: 22046273, 24120500, 24145216, 24336230, 30982608, 30982609).

Literature cited by the submitters: PubMed 22046273; PubMed 24120500; PubMed 24145216; PubMed 24336230; PubMed 30982608; PubMed 30982609.